The following is an entry in ClinVar:

ClinVar aggregate classification (germline): Uncertain significance (1 of 4 stars; one submission).

Conditions:
Vesicoureteral reflux 8 (VUR8). Identifiers: Orphanet 289365, MedGen C4014831, MONDO:0014422, OMIM 615963.

Allele frequency attached by ClinVar (database versions not stated): gnomAD exomes below 0.00001; gnomAD 0.00001.
gnomAD v4.1: 3 of 1,604,006 alleles (0.00019%); highest among the groups gnomAD compares: Non-Finnish European, 0.00026%; no homozygotes.

Submission:

MVZ Medizinische Genetik Mainz
Classification: Uncertain significance for Vesicoureteral reflux 8. Last evaluated: 2021-11-04. Review status: criteria provided, single submitter. Criteria: UK Practice Guidelines For Variant Classification V4 01 2020. Collection method: clinical testing. Allele origin: germline. Inheritance: Autosomal dominant inheritance. Affected: yes. Observed: 1 variant allele.
Comment: ACMG Criteria: PM2_SUP, PP3

NM_001365276.2(TNXB):c.4681+5G>A

Gene: TNXB (tenascin XB; minus strand). Cytogenetic location: 6p21.33.
Variant type: single nucleotide variant.
Coding change: c.4681+5G>A on transcript NM_001365276.2 (MANE Select); 5 bases into the intron after coding-DNA position 4681, G replaced by A.
Molecular consequence: intron variant.
Genome position (GRCh38, 1-based): chr6:32,073,642, C>T on the plus strand (G>A on the coding strand, the complement: TNXB is on the minus strand). VCF-style: chr6-32073642-C-T. GRCh37 (hg19) VCF-style: chr6-32041419-C-T.
Other names: c.4681+5G>A (NM_019105.8).
Identifiers: ClinVar variation 3066379 (VCV003066379.1), dbSNP rs1778901007, ClinGen allele CA1087500832.